The following is an entry in ClinVar:

ClinVar aggregate classification (germline): Uncertain significance. Review status: criteria provided, multiple submitters, no conflicts (2 of 4 stars). 2 submissions from 2 submitters: Uncertain significance (2). Last evaluated 2025-04-04.

gnomAD v4.1: 3 of 1,611,650 alleles (0.00019%); no homozygotes.

Submissions (2):

Women's Health and Genetics/Laboratory Corporation of America, LabCorp
Classification: Uncertain significance. Last evaluated: 2025-04-04. Review status: criteria provided, single submitter. Criteria: LabCorp Variant Classification Summary - May 2015. Collection method: clinical testing. Allele origin: germline.
Comment: Variant summary: ANKRD11 c.7277C>T (p.Ala2426Val) results in a non-conservative amino acid change in the encoded protein sequence. Three of five in-silico tools predict a damaging effect of the variant on protein function. The variant was absent in 248706 control chromosomes. The available data on variant occurrences in the general population are insufficient to allow any conclusion about variant significance. To our knowledge, no occurrence of c.7277C>T in individuals affected with KBG Syndrome and no experimental evidence demonstrating its impact on protein function have been reported. ClinVar contains an entry for this variant (Variation ID: 1802074). Based on the evidence outlined above, the variant was classified as uncertain significance.

GeneDx
Classification: Uncertain significance. Last evaluated: 2022-06-01. Review status: criteria provided, single submitter. Criteria: GeneDx Variant Classification Process June 2021. Collection method: clinical testing. Allele origin: germline. Affected: yes.
Comment: Not observed at significant frequency in large population cohorts (gnomAD); In silico analysis supports that this missense variant does not alter protein structure/function; Has not been previously reported as pathogenic or benign to our knowledge

NM_013275.6(ANKRD11):c.7277C>T (p.Ala2426Val)

Gene: ANKRD11 (ankyrin repeat domain containing 11; minus strand). Cytogenetic location: 16q24.3.
Variant type: single nucleotide variant.
Coding change: c.7277C>T on transcript NM_013275.6 (MANE Select); coding-DNA position 7277, C replaced by T.
Protein change: p.Ala2426Val; replaces alanine 2426 with valine.
Molecular consequence: missense variant.
Genome position (GRCh38, 1-based): chr16:89,279,265, G>A on the plus strand (C>T on the coding strand, the complement: ANKRD11 is on the minus strand). VCF-style: chr16-89279265-G-A. GRCh37 (hg19) VCF-style: chr16-89345673-G-A.
Other names: c.7277C>T, p.Ala2426Val (NM_001256182.2, NM_001256183.2); short protein forms A2426V.
Identifiers: ClinVar variation 1802074 (VCV001802074.3), dbSNP rs2544218687, ClinGen allele CA397148718.